The following is an entry in ClinVar:

ClinVar aggregate classification (germline): Benign/Likely benign. Review status: criteria provided, multiple submitters, no conflicts (2 of 4 stars). 4 submissions from 4 submitters: Benign (1); Likely benign (3). Last evaluated 2025-10-04.

Conditions:
Hereditary cancer-predisposing syndrome. Also called: Hereditary Cancer Syndrome; Neoplastic Syndromes, Hereditary; Tumor predisposition; Hereditary neoplastic syndrome. Identifiers: Orphanet 140162, MedGen C0027672, MeSH D009386, MONDO:0015356.
Ataxia-telangiectasia syndrome (AT). Also called: Ataxia-telangiectasia, complementation group D; AT, COMPLEMENTATION GROUP C; Ataxia-telangiectasia; ATAXIA-TELANGIECTASIA, COMPLEMENTATION GROUP A; ATAXIA-TELANGIECTASIA, FRESNO VARIANT; LOUIS-BAR SYNDROME. Identifiers: Orphanet 100, MedGen C0004135, MONDO:0008840, OMIM 208900.
Familial cancer of breast. Also called: BREAST CANCER, FAMILIAL; hereditary breast carcinoma; Hereditary breast cancer. Identifiers: Orphanet 227535, MedGen C0346153, MONDO:0016419, OMIM 114480. Disease mechanism: loss of function.

Allele frequency attached by ClinVar (database versions not stated): TOPMed below 0.00001.

Submissions (4):

Labcorp Genetics (formerly Invitae), Labcorp
Classification: Likely benign for Ataxia-telangiectasia syndrome. Last evaluated: 2025-10-04. Review status: criteria provided, single submitter. Criteria: Invitae Variant Classification Sherloc (09022015). Collection method: clinical testing. Allele origin: germline.

Ambry Genetics
Classification: Likely benign for Hereditary cancer-predisposing syndrome. Last evaluated: 2024-10-31. Review status: criteria provided, single submitter. Criteria: Ambry Variant Classification Scheme 2023. Collection method: clinical testing. Allele origin: germline.

Myriad Genetics, Inc.
Classification: Benign for Familial cancer of breast. Last evaluated: 2024-05-20. Review status: criteria provided, single submitter. Criteria: Myriad Autosomal Dominant, Autosomal Recessive and X-Linked Classification Criteria (2023). Collection method: clinical testing. Allele origin: unknown.
Comment: This variant is considered benign. This variant is a silent/synonymous amino acid change and it is not expected to impact splicing.

Color Diagnostics, LLC DBA Color Health
Classification: Likely benign for Hereditary cancer-predisposing syndrome. Last evaluated: 2017-12-21. Review status: criteria provided, single submitter. Criteria: ACMG Guidelines, 2015. Collection method: clinical testing. Allele origin: germline.

NM_000051.4(ATM):c.4584G>A (p.Val1528=)

Gene: ATM (ATM serine/threonine kinase; plus strand). Cytogenetic location: 11q22.3.
Variant type: single nucleotide variant.
Coding change: c.4584G>A on transcript NM_000051.4 (MANE Select); coding-DNA position 4584, G replaced by A.
Protein change: p.Val1528=; no amino-acid change (valine 1528 retained).
Molecular consequence: synonymous variant.
Genome position (GRCh38, 1-based): chr11:108,292,766, G>A. VCF-style: chr11-108292766-G-A. GRCh37 (hg19) VCF-style: chr11-108163493-G-A.
Other names: c.4584G>A, p.Val1528= (NM_001351834.2).
Identifiers: ClinVar variation 631088 (VCV000631088.13), dbSNP rs1555100000, ClinGen allele CA476674243.